The following is an entry in ClinVar:

NM_006979.3(SLC39A7):c.1373G>C (p.Gly458Ala)

Gene: SLC39A7 (solute carrier family 39 member 7; plus strand). Cytogenetic location: 6p21.32.
Variant type: single nucleotide variant.
Coding change: c.1373G>C on transcript NM_006979.3 (MANE Select); coding-DNA position 1373, G replaced by C.
Protein change: p.Gly458Ala; replaces glycine 458 with alanine.
Molecular consequence: missense variant.
Genome position (GRCh38, 1-based): chr6:33,203,776, G>C. VCF-style: chr6-33203776-G-C. GRCh37 (hg19) VCF-style: chr6-33171553-G-C.
Other names: c.1373G>C, p.Gly458Ala (NM_001077516.2); c.998G>C, p.Gly333Ala (NM_001288777.2); short protein forms G333A, G458A.
Identifiers: ClinVar variation 2907365 (VCV002907365.3), dbSNP rs375996215, ClinGen allele CA3752465.

ClinVar aggregate classification (germline): Uncertain significance (1 of 4 stars; one submission).

gnomAD v4.1: 4 of 1,614,200 alleles (0.00025%); highest among the groups gnomAD compares: South Asian, 0.0044%; no homozygotes.

Submission:

Labcorp Genetics (formerly Invitae), Labcorp
Classification: Uncertain significance. Last evaluated: 2023-06-10. Review status: criteria provided, single submitter. Criteria: Invitae Variant Classification Sherloc (09022015). Collection method: clinical testing. Allele origin: germline.
Comment: In summary, the available evidence is currently insufficient to determine the role of this variant in disease. Therefore, it has been classified as a Variant of Uncertain Significance. An algorithm developed to predict the effect of missense changes on protein structure and function (PolyPhen-2) suggests that this variant is likely to be disruptive. This missense change has been observed in individual(s) with clinical features of agammaglobulinemia (PMID: 30718914). This variant is present in population databases (rs375996215, gnomAD 0.01%). This sequence change replaces glycine, which is neutral and non-polar, with alanine, which is neutral and non-polar, at codon 458 of the SLC39A7 protein (p.Gly458Ala).

Literature cited by the submitters: PubMed 30718914.